The following is an entry in ClinVar:

ClinVar aggregate classification (germline): Conflicting classifications of pathogenicity. Review status: criteria provided, conflicting classifications (1 of 4 stars). 2 submissions from 2 submitters: Likely pathogenic (1); Uncertain significance (1). Last evaluated 2025-09-30.

Conditions:
Osteogenesis imperfecta type I (OI1). Also called: Osteogenesis imperfecta type 1; OI, TYPE I; OSTEOGENESIS IMPERFECTA TARDA; OSTEOGENESIS IMPERFECTA WITH BLUE SCLERAE; Lobstein's Disease; Lobstein disease. Identifiers: Orphanet 216796, Orphanet 666, MedGen C0023931, MONDO:0008146, OMIM 166200. Disease mechanism: loss of function.
Ehlers-Danlos syndrome, classic type, 1 (EDSCL1). Also called: EDS I; EHLERS-DANLOS SYNDROME, GRAVIS TYPE; EHLERS-DANLOS SYNDROME, SEVERE CLASSIC TYPE; Ehlers-Danlos syndrome, type 1; Ehlers-Danlos Syndrome, Classic Type, COL5A1-Related. Identifiers: MedGen C0268335, MONDO:0019567, OMIM 130000.

Allele frequency attached by ClinVar (database versions not stated): gnomAD exomes 0.00002.
gnomAD v4.1: 26 of 1,614,024 alleles (0.0016%); highest among the groups gnomAD compares: Non-Finnish European, 0.0022%; no homozygotes.

Submissions (2):

Labcorp Genetics (formerly Invitae), Labcorp
Classification: Likely pathogenic for Osteogenesis imperfecta type I; Ehlers-Danlos syndrome, classic type, 1. Last evaluated: 2025-09-30. Review status: criteria provided, single submitter. Criteria: Invitae Variant Classification Sherloc (09022015). Collection method: clinical testing. Allele origin: germline.
Comment: This sequence change replaces glycine, which is neutral and non-polar, with alanine, which is neutral and non-polar, at codon 205 of the COL1A2 protein (p.Gly205Ala). This variant is present in population databases (no rsID available, gnomAD 0.0009%). This variant has not been reported in the literature in individuals affected with COL1A2-related conditions. ClinVar contains an entry for this variant (Variation ID: 1895505). Invitae Evidence Modeling of protein sequence and biophysical properties (such as structural, functional, and spatial information, amino acid conservation, physicochemical variation, residue mobility, and thermodynamic stability) indicates that this missense variant is expected to disrupt COL1A2 protein function with a positive predictive value of 95%. This variant disrupts the triple helix domain of COL1A2. Glycine residues within the Gly-Xaa-Yaa repeats of the triple helix domain are required for the structure and stability of fibrillar collagens (PMID: 7695699, 8218237, 19344236). In COL1A2, variants affecting these glycine residues are significantly enriched in individuals with disease (PMID: 9016532, 17078022) compared to the general population (ExAC). In summary, the currently available evidence indicates that the variant is pathogenic, but additional data are needed to prove that conclusively. Therefore, this variant has been classified as Likely Pathogenic.

Blueprint Genetics
Classification: Uncertain significance. Last evaluated: 2021-10-17. Review status: criteria provided, single submitter. Criteria: ACMG Guidelines, 2015. Collection method: clinical testing. Allele origin: germline.

Literature cited by the submitters: PubMed 7695699 (cited by Labcorp Genetics (formerly Invitae), Labcorp); PubMed 8218237 (cited by Labcorp Genetics (formerly Invitae), Labcorp); PubMed 19344236 (cited by Labcorp Genetics (formerly Invitae), Labcorp); PubMed 9016532 (cited by Labcorp Genetics (formerly Invitae), Labcorp); PubMed 17078022 (cited by Labcorp Genetics (formerly Invitae), Labcorp).

NM_000089.4(COL1A2):c.614G>C (p.Gly205Ala)

Gene: COL1A2 (collagen type I alpha 2 chain; plus strand). Cytogenetic location: 7q21.3.
Variant type: single nucleotide variant.
Coding change: c.614G>C on transcript NM_000089.4 (MANE Select); coding-DNA position 614, G replaced by C.
Protein change: p.Gly205Ala; replaces glycine 205 with alanine.
Molecular consequence: missense variant.
Genome position (GRCh38, 1-based): chr7:94,407,866, G>C. VCF-style: chr7-94407866-G-C. GRCh37 (hg19) VCF-style: chr7-94037178-G-C.
Other names: short protein forms G205A.
Identifiers: ClinVar variation 1895505 (VCV001895505.6), dbSNP rs1443518475, ClinGen allele CA368220160.